The following is an entry in ClinVar:

NM_001005242.3(PKP2):c.966_967del (p.Gln323fs)

Gene: PKP2 (plakophilin 2; minus strand). Cytogenetic location: 12p11.21.
Variant type: Deletion.
Coding change: c.966_967del on transcript NM_001005242.3 (MANE Select); coding-DNA positions 966 to 967, 2 bases deleted (CC; older notation c.966_967delCC).
Protein change: p.Gln323fs; shifts the reading frame from glutamine 323.
Molecular consequence: frameshift variant.
Genome position (GRCh38, 1-based): chr12:32,877,913-32,877,914, GG deleted on the plus strand (CC on the coding strand, the reverse complement: PKP2 is on the minus strand). VCF-style (leftmost placement, unchanged base first): chr12-32877912-TGG-T. GRCh37 (hg19) VCF-style: chr12-33030846-TGG-T.
Other names: c.966_967del, p.Gln323fs (NM_004572.4); short protein forms Q323fs.
Identifiers: ClinVar variation 1457261 (VCV001457261.6), dbSNP rs2137946195, ClinGen allele CA2573148520.

ClinVar aggregate classification (germline): Pathogenic (1 of 4 stars; one submission).

Conditions:
Arrhythmogenic right ventricular dysplasia 9 (ARVD9). Also called: Arrhythmogenic Right Ventricular Dysplasia/Cardiomyopathy 9; ARRHYTHMOGENIC RIGHT VENTRICULAR DYSPLASIA, FAMILIAL, 9. Identifiers: MedGen C1836906, MONDO:0012180, OMIM 609040.

Submission:

Labcorp Genetics (formerly Invitae), Labcorp
Classification: Pathogenic for Arrhythmogenic right ventricular dysplasia 9. Last evaluated: 2023-08-30. Review status: criteria provided, single submitter. Criteria: Invitae Variant Classification Sherloc (09022015). Collection method: clinical testing. Allele origin: germline.
Comment: For these reasons, this variant has been classified as Pathogenic. ClinVar contains an entry for this variant (Variation ID: 1457261). This variant has not been reported in the literature in individuals affected with PKP2-related conditions. This variant is not present in population databases (gnomAD no frequency). This sequence change creates a premature translational stop signal (p.Gln323Glyfs*12) in the PKP2 gene. It is expected to result in an absent or disrupted protein product. Loss-of-function variants in PKP2 are known to be pathogenic (PMID: 15489853, 23911551).

Literature cited by the submitters: PubMed 15489853; PubMed 23911551.